The following is an entry in ClinVar:

NM_005343.4(HRAS):c.451-5C>T

Genes: HRAS (HRas proto-oncogene, GTPase; minus strand), LRRC56 (leucine rich repeat containing 56; plus strand). Cytogenetic location: 11p15.5.
Variant type: single nucleotide variant.
Coding change: c.451-5C>T on transcript NM_005343.4 (MANE Select); 5 bases into the intron before coding-DNA position 451, C replaced by T.
Molecular consequence: intron variant.
Genome position (GRCh38, 1-based): chr11:532,760, G>A on the plus strand (C>T on the coding strand, the complement: HRAS is on the minus strand). VCF-style: chr11-532760-G-A. GRCh37 (hg19) VCF-style: chr11-532760-G-A.
Other names: c.451-5C>T (NM_001130442.3); c.214-5C>T (NM_001318054.2); c.*20-5C>T (NM_176795.5).
Identifiers: ClinVar variation 514968 (VCV000514968.14), dbSNP rs370181298, ClinGen allele CA5779228.
Genomic context (GRCh38, chr11:532,760, plus strand): 5'-CGCAGCTTGTGCTGCCGGATCTCACGCACCAACGTGTAGAAGGCATCCTCCACTCCCTGG[G>A]AAAGGAGGGATGGGATCAGGAGGGACCGGCCTGTGGCCGCCTGCCTGGGTGAGGGGCTCC-3'

ClinVar aggregate classification (germline): Conflicting classifications of pathogenicity. Review status: criteria provided, conflicting classifications (1 of 4 stars). 3 submissions from 3 submitters: Uncertain significance (1); Likely benign (2). Last evaluated 2025-11-24.

Conditions:
Cardiovascular phenotype. Identifiers: MedGen CN230736.
Costello syndrome (CSTLO). Also called: HRAS-Related Costello Syndrome; FACIOCUTANEOSKELETAL SYNDROME; FCS SYNDROME. Identifiers: Orphanet 3071, MedGen C0587248, MONDO:0009026, OMIM 218040.

Allele frequency attached by ClinVar (database versions not stated): TOPMed 0.00002; ESP Exome Variant Server 0.00008.
gnomAD v4.1: 9 of 1,612,184 alleles (0.00056%); highest among the groups gnomAD compares: African/African-American, 0.0027%; no homozygotes.

Submissions (3):

Labcorp Genetics (formerly Invitae), Labcorp
Classification: Likely benign for Costello syndrome. Last evaluated: 2025-11-24. Review status: criteria provided, single submitter. Criteria: Invitae Variant Classification Sherloc (09022015). Collection method: clinical testing. Allele origin: germline.

Ambry Genetics
Classification: Uncertain significance for Cardiovascular phenotype. Last evaluated: 2022-06-17. Review status: criteria provided, single submitter. Criteria: Ambry Variant Classification Scheme 2023. Collection method: clinical testing. Allele origin: germline.
Comment: The c.451-5C>T intronic alteration consists of a C to T substitution 5 nucleotides before exon 5 (coding exon 4) of the HRAS gene. Based on insufficient or conflicting evidence, the clinical significance of this alteration remains unclear.

GeneDx
Classification: Likely benign. Last evaluated: 2021-06-18. Review status: criteria provided, single submitter. Criteria: GeneDx Variant Classification Process June 2021. Collection method: clinical testing. Allele origin: germline. Affected: yes.